The following is an entry in ClinVar:

ClinVar aggregate classification (germline): Uncertain significance (1 of 4 stars; one submission).

Allele frequency attached by ClinVar (database versions not stated): gnomAD exomes 0.00001.
gnomAD v4.1: 4 of 1,614,142 alleles (0.00025%); highest among the groups gnomAD compares: South Asian, 0.0044%; no homozygotes.

Submission:

Labcorp Genetics (formerly Invitae), Labcorp
Classification: Uncertain significance. Last evaluated: 2024-01-10. Review status: criteria provided, single submitter. Criteria: Invitae Variant Classification Sherloc (09022015). Collection method: clinical testing. Allele origin: germline.
Comment: This sequence change replaces phenylalanine, which is neutral and non-polar, with isoleucine, which is neutral and non-polar, at codon 810 of the ARHGEF10 protein (p.Phe810Ile). This variant is present in population databases (no rsID available, gnomAD 0.003%). This variant has not been reported in the literature in individuals affected with ARHGEF10-related conditions. Advanced modeling of protein sequence and biophysical properties (such as structural, functional, and spatial information, amino acid conservation, physicochemical variation, residue mobility, and thermodynamic stability) performed at Invitae indicates that this missense variant is not expected to disrupt ARHGEF10 protein function with a negative predictive value of 80%. In summary, the available evidence is currently insufficient to determine the role of this variant in disease. Therefore, it has been classified as a Variant of Uncertain Significance.

NM_014629.4(ARHGEF10):c.2428T>A (p.Phe810Ile)

Gene: ARHGEF10 (Rho guanine nucleotide exchange factor 10; plus strand). Cytogenetic location: 8p23.3.
Variant type: single nucleotide variant.
Coding change: c.2428T>A on transcript NM_014629.4 (MANE Select); coding-DNA position 2428, T replaced by A.
Protein change: p.Phe810Ile; replaces phenylalanine 810 with isoleucine.
Molecular consequence: missense variant.
Genome position (GRCh38, 1-based): chr8:1,923,814, T>A. VCF-style: chr8-1923814-T-A. GRCh37 (hg19) VCF-style: chr8-1871980-T-A.
Other names: c.2314T>A, p.Phe772Ile (NM_001308152.2); c.2428T>A, p.Phe810Ile (NM_001308153.3); short protein forms F810I, F772I, F834I.
Identifiers: ClinVar variation 2786682 (VCV002786682.3), dbSNP rs1396088296, ClinGen allele CA369965886.